The following is an entry in ClinVar:

NM_014324.6(AMACR):c.843A>G (p.Ala281=)

Genes: AMACR (alpha-methylacyl-CoA racemase; minus strand), C1QTNF3-AMACR (C1QTNF3-AMACR readthrough (NMD candidate); minus strand). Cytogenetic location: 5p13.2.
Variant type: single nucleotide variant.
Coding change: c.843A>G on transcript NM_014324.6 (MANE Select); coding-DNA position 843, A replaced by G.
Protein change: p.Ala281=; no amino-acid change (alanine 281 retained).
Molecular consequence: synonymous variant. On other transcripts: non-coding transcript variant (1), 3 prime UTR variant (1).
Genome position (GRCh38, 1-based): chr5:33,989,399, T>C on the plus strand (A>G on the coding strand, the complement: AMACR is on the minus strand). VCF-style: chr5-33989399-T-C. GRCh37 (hg19) VCF-style: chr5-33989504-T-C.
Other names: c.843A>G, p.Ala281= (NM_001167595.2); c.*85A>G (NM_203382.3).
Identifiers: ClinVar variation 2961277 (VCV002961277.26), dbSNP rs750799478, ClinGen allele CA3226009.

ClinVar aggregate classification (germline): Likely benign. Review status: criteria provided, multiple submitters, no conflicts (2 of 4 stars). 3 submissions from 3 submitters: Likely benign (3). Last evaluated 2025-05-21.

Conditions:
Alpha-methylacyl-CoA racemase deficiency (AMACRD). Also called: AMACR deficiency. Identifiers: Orphanet 79095, MedGen C3280428, MONDO:0013681, OMIM 614307. Disease mechanism: loss of function.

Allele frequency attached by ClinVar (database versions not stated): ExAC 0.00001.
gnomAD v4.1: 7 of 1,614,222 alleles (0.00043%); highest among the groups gnomAD compares: South Asian, 0.0022%; 1 homozygote.

Submissions (3):

Labcorp Genetics (formerly Invitae), Labcorp
Classification: Likely benign for Alpha-methylacyl-CoA racemase deficiency. Last evaluated: 2025-05-21. Review status: criteria provided, single submitter. Criteria: Invitae Variant Classification Sherloc (09022015). Collection method: clinical testing. Allele origin: germline.

CeGaT Center for Human Genetics Tuebingen
Classification: Likely benign. Last evaluated: 2024-02-01. Review status: criteria provided, single submitter. Criteria: CeGaT Center For Human Genetics Tuebingen Variant Classification Criteria Version 2. Collection method: clinical testing. Allele origin: germline. Affected: yes. Observed: 1 variant allele.
Comment: AMACR: BP4, BP7

Blueprint Genetics
Classification: Likely benign. Last evaluated: 2022-04-11. Review status: criteria provided, single submitter. Criteria: ACMG Guidelines, 2015. Collection method: clinical testing. Allele origin: germline.